The following is an entry in ClinVar:

ClinVar aggregate classification (germline): Uncertain significance (1 of 4 stars; one submission).

Conditions:
Cardiovascular phenotype. Identifiers: MedGen CN230736.

Submission:

Ambry Genetics
Classification: Uncertain significance for Cardiovascular phenotype. Last evaluated: 2026-03-02. Review status: criteria provided, single submitter. Criteria: Ambry Variant Classification Scheme 2023. Collection method: clinical testing. Allele origin: germline.
Comment: The c.1486-13_1486-4del10 intronic variant begins 4 nucleotides before coding exon 15 in the ANK2 gene. This variant results from a deletion of 10 nucleotides at positions c.1486-13 to c.1486-4. This nucleotide region ranges from highly conserved to poorly conserved. In silico splice site analysis predicts that this alteration may weaken the native splice acceptor site. Based on the available evidence, the clinical significance of this variant remains unclear.

NM_001148.6(ANK2):c.1486-13_1486-4del

Gene: ANK2 (ankyrin 2; plus strand). Cytogenetic location: 4q26.
Variant type: Deletion.
Coding change: c.1486-13_1486-4del on transcript NM_001148.6 (MANE Select); 13 bases into the intron before coding-DNA position 1486 through 4 bases into the intron before coding-DNA position 1486, 10 bases deleted (GCTTGAGTTG; older notation c.1486-13_1486-4delGCTTGAGTTG).
Molecular consequence: intron variant.
Genome position (GRCh38, 1-based): chr4:113,274,439-113,274,448, GCTTGAGTTG deleted; deleting any 10 consecutive bases within chr4:113,274,436-113,274,448 gives the same sequence; the c. name uses the placement nearest the transcript's 3' end. VCF-style (leftmost placement, unchanged base first): chr4-113274435-CTTGGCTTGAG-C. GRCh37 (hg19) VCF-style: chr4-114195591-CTTGGCTTGAG-C.
Other names: c.1423-13_1423-4del (NM_001354272.2, NM_001354244.2, NM_001354256.2 and 14 more transcripts); c.1399-13_1399-4del (NM_001354249.2, NM_001354266.2, NM_001354276.2 and 13 more transcripts); c.1201-13_1201-4del (NM_001386157.1, NM_001354277.2, NM_001386158.1); c.1444-13_1444-4del (NM_001354261.2, NM_001386147.1, NM_001386160.1); c.1531-13_1531-4del (NM_001354241.2, NM_001386152.1, NM_001354237.2 and 5 more transcripts); c.1486-13_1486-4del (NM_001354225.2, NM_001354235.2, NM_001354246.2 and 8 more transcripts); c.1288-13_1288-4del (NM_001354273.2); c.1537-13_1537-4del (NM_001386174.1); and 4 more.
Identifiers: ClinVar variation 4824184 (VCV004824184.1).
Genomic context (GRCh38, chr4:113,274,435, plus strand): 5'-GAAATATGTGAGTGAAACATATCACCAGTGAAGTTCTGTCTGCCCGGCACTAACTTTTTA[CTTGGCTTGAG>C]TTGTAGGAGGAACAGACACCTTTACATATTGCCTCCCGCCTGGGTAAGACAGAAATTGTC-3'